The following is an entry in ClinVar:

ClinVar aggregate classification (germline): Likely benign (1 of 4 stars; one submission).

gnomAD v4.1: 449 of 1,614,046 alleles (0.028%); highest among the groups gnomAD compares: Admixed American, 0.72%; 8 homozygotes.

Submission:

CeGaT Center for Human Genetics Tuebingen
Classification: Likely benign. Last evaluated: 2026-03-01. Review status: criteria provided, single submitter. Criteria: CeGaT Center For Human Genetics Tuebingen Variant Classification Criteria Version 2. Collection method: clinical testing. Allele origin: germline. Affected: yes. Observed: 1 variant allele.
Comment: RCC1: BP4

NM_001381865.2(RCC1):c.710G>A (p.Arg237Gln)

Gene: RCC1 (regulator of chromosome condensation 1; plus strand). Cytogenetic location: 1p35.3.
Variant type: single nucleotide variant.
Coding change: c.710G>A on transcript NM_001381865.2 (MANE Select); coding-DNA position 710, G replaced by A.
Protein change: p.Arg237Gln; replaces arginine 237 with glutamine.
Molecular consequence: missense variant.
Genome position (GRCh38, 1-based): chr1:28,535,919, G>A. VCF-style: chr1-28535919-G-A. GRCh37 (hg19) VCF-style: chr1-28862431-G-A.
Other names: c.803G>A, p.Arg268Gln (NM_001048194.4); c.761G>A, p.Arg254Gln (NM_001048195.4); c.710G>A, p.Arg237Gln (NM_001048199.3, NM_001269.6, NM_001381866.2); short protein forms R237Q, R254Q, R268Q.
Identifiers: ClinVar variation 4821271 (VCV004821271.4).